The following is an entry in ClinVar:

ClinVar aggregate classification (germline): Uncertain significance. Review status: criteria provided, multiple submitters, no conflicts (2 of 4 stars). 4 submissions from 4 submitters: Uncertain significance (3). 1 of the submissions does not count toward it. Last evaluated 2025-12-14.

Conditions:
Cardiofaciocutaneous syndrome 4 (CFC4). Also called: MAP2K2-Related Cardiofaciocutaneous Syndrome. Identifiers: Orphanet 1340, MedGen C3809007, MONDO:0014114, OMIM 615280.
RASopathy. Also called: rasopathies; Noonan spectrum disorder. Identifiers: Orphanet 536391, MedGen C5555857, MONDO:0021060.
Cardio-facio-cutaneous syndrome. Also called: Cardiofaciocutaneous syndrome; CFC syndrome. Identifiers: Orphanet 1340, MedGen C1275081, MONDO:0015280. Disease mechanism: gain of function.

Allele frequency attached by ClinVar (database versions not stated): TOPMed below 0.00001; gnomAD 0.00001; gnomAD exomes 0.00002; ExAC 0.00004.
gnomAD v4.1: 20 of 1,607,054 alleles (0.0012%); highest among the groups gnomAD compares: East Asian, 0.0022%; no homozygotes.

Submissions (4):

Labcorp Genetics (formerly Invitae), Labcorp
Classification: Uncertain significance for RASopathy. Last evaluated: 2025-12-14. Review status: criteria provided, single submitter. Criteria: Invitae Variant Classification Sherloc (09022015). Collection method: clinical testing. Allele origin: germline.
Comment: This sequence change replaces aspartic acid, which is acidic and polar, with asparagine, which is neutral and polar, at codon 271 of the MAP2K2 protein (p.Asp271Asn). This variant is present in population databases (rs758031424, gnomAD 0.003%). This missense change has been observed in individual(s) with MAP2K2-related conditions (PMID: 35352813). ClinVar contains an entry for this variant (Variation ID: 666425). Invitae Evidence Modeling of protein sequence and biophysical properties (such as structural, functional, and spatial information, amino acid conservation, physicochemical variation, residue mobility, and thermodynamic stability) indicates that this missense variant is not expected to disrupt MAP2K2 protein function with a negative predictive value of 95%. In summary, the available evidence is currently insufficient to determine the role of this variant in disease. Therefore, it has been classified as a Variant of Uncertain Significance.

Fulgent Genetics
Classification: Uncertain significance for Cardiofaciocutaneous syndrome 4. Last evaluated: 2024-03-13. Review status: criteria provided, single submitter. Criteria: ACMG Guidelines, 2015. Collection method: clinical testing. Allele origin: germline.

GeneDx
Classification: Uncertain significance. Last evaluated: 2019-07-09. Review status: criteria provided, single submitter. Criteria: GeneDx Variant Classification Process June 2021. Collection method: clinical testing. Allele origin: germline. Affected: yes.
Comment: Has not been previously published as pathogenic or benign to our knowledge; Missense variants in this gene are commonly considered pathogenic (Stenson et al., 2014); In silico analysis, which includes protein predictors and evolutionary conservation, supports that this variant does not alter protein structure/function

Service de Génétique Moléculaire, Hôpital Robert Debré
Classification: Likely benign for Cardio-facio-cutaneous syndrome. Review status: no assertion criteria provided. Collection method: clinical testing. Allele origin: maternal. Affected: yes. Not counted in ClinVar's aggregate classification.

Literature cited by the submitters: PubMed 35352813 (cited by Labcorp Genetics (formerly Invitae), Labcorp).

NM_030662.4(MAP2K2):c.811G>A (p.Asp271Asn)

Gene: MAP2K2 (mitogen-activated protein kinase kinase 2; minus strand). Cytogenetic location: 19p13.3.
Variant type: single nucleotide variant.
Coding change: c.811G>A on transcript NM_030662.4 (MANE Select); coding-DNA position 811, G replaced by A.
Protein change: p.Asp271Asn; replaces aspartic acid 271 with asparagine.
Molecular consequence: missense variant.
Genome position (GRCh38, 1-based): chr19:4,099,309, C>T on the plus strand (G>A on the coding strand, the complement: MAP2K2 is on the minus strand). VCF-style: chr19-4099309-C-T. GRCh37 (hg19) VCF-style: chr19-4099307-C-T.
Other names: short protein forms D271N.
Identifiers: ClinVar variation 666425 (VCV000666425.7), dbSNP rs758031424, ClinGen allele CA9090827.
Genomic context (GRCh38, chr19:4,099,309, plus strand): 5'-GCTCTCCTTCTTCCCCGTCGACCACGGGCCGGCCAAAGATGGCCTCCAGCTCTTTGGCGT[C>T]GGGCGGGGGGATGGGGTACCTTCCGACGGCCAGCTCCACCAGGGACAGGCCCATGCTCCA-3'
Protein context (NP_109587.1, residues 261-281): AVGRYPIPPP[Asp271Asn]AKELEAIFGR